The following is an entry in ClinVar:

NM_032620.4(GTPBP3):c.922C>T (p.Arg308Trp)

Gene: GTPBP3 (GTP binding protein 3, mitochondrial; plus strand). Cytogenetic location: 19p13.11.
Variant type: single nucleotide variant.
Coding change: c.922C>T on transcript NM_032620.4 (MANE Select); coding-DNA position 922, C replaced by T.
Protein change: p.Arg308Trp; replaces arginine 308 with tryptophan.
Molecular consequence: missense variant.
Genome position (GRCh38, 1-based): chr19:17,339,547, C>T. VCF-style: chr19-17339547-C-T. GRCh37 (hg19) VCF-style: chr19-17450356-C-T.
Other names: c.922C>T, p.Arg308Trp (NM_001128855.3); c.988C>T, p.Arg330Trp (NM_001195422.1); c.1018C>T, p.Arg340Trp (NM_133644.4); short protein forms R308W, R330W, R340W.
Identifiers: ClinVar variation 3367345 (VCV003367345.1).

ClinVar aggregate classification (germline): Uncertain significance (1 of 4 stars; one submission).

Submission:

GeneDx
Classification: Uncertain significance. Last evaluated: 2024-01-04. Review status: criteria provided, single submitter. Criteria: GeneDx Variant Classification Process June 2021. Collection method: clinical testing. Allele origin: germline. Affected: yes.
Comment: Not observed at significant frequency in large population cohorts (gnomAD); In silico analysis supports that this missense variant has a deleterious effect on protein structure/function; Has not been previously published as pathogenic or benign to our knowledge